The following is an entry in ClinVar:

NM_001110556.2(FLNA):c.185A>G (p.Lys62Arg)

Gene: FLNA (filamin A; minus strand). Cytogenetic location: Xq28.
Variant type: single nucleotide variant.
Coding change: c.185A>G on transcript NM_001110556.2 (MANE Select); coding-DNA position 185, A replaced by G.
Protein change: p.Lys62Arg; replaces lysine 62 with arginine.
Molecular consequence: missense variant.
Genome position (GRCh38, 1-based): chrX:154,371,061, T>C on the plus strand (A>G on the coding strand, the complement: FLNA is on the minus strand). VCF-style: chrX-154371061-T-C. GRCh37 (hg19) VCF-style: chrX-153599429-T-C.
Other names: c.185A>G, p.Lys62Arg (NM_001456.4); short protein forms K62R.
Identifiers: ClinVar variation 1388678 (VCV001388678.8), dbSNP rs2148121972, ClinGen allele CA415255106.

ClinVar aggregate classification (germline): Uncertain significance (1 of 4 stars; one submission).

Conditions:
Heterotopia, periventricular, X-linked dominant (PVNH1). Also called: PERIVENTRICULAR NODULAR HETEROTOPIA 4; HETEROTOPIA, PERIVENTRICULAR, 1; PERIVENTRICULAR NODULAR HETEROTOPIA 1; X-linked periventricular heterotopia. Identifiers: Orphanet 2149, Orphanet 82004, MedGen C1848213, MONDO:0010233, OMIM 300049.
Melnick-Needles syndrome (MNS). Also called: MELNICK-NEEDLES OSTEODYSPLASTY; OSTEODYSPLASTY OF MELNICK AND NEEDLES; Melnick-Needles Syndrome (FLNA-MNS). Identifiers: Orphanet 2484, MedGen C0025237, MONDO:0010650, OMIM 309350.
Frontometaphyseal dysplasia (FMD1). Identifiers: Orphanet 1826, MedGen C0265293, MONDO:0015942.
Oto-palato-digital syndrome, type II (OPD2). Also called: FACIOPALATOOSSEOUS SYNDROME; OPD II SYNDROME; Otopalatodigital Syndrome, Type II; Otopalatodigital Syndrome Type 2 (FLNA-OPD2). Identifiers: Orphanet 669, Orphanet 90652, MedGen C1844696, MONDO:0010571, OMIM 304120.

gnomAD v4.1: 1 of 1,205,580 alleles (0.000083%); highest among the groups gnomAD compares: Non-Finnish European, 0.00011%; no homozygotes.

Submission:

Labcorp Genetics (formerly Invitae), Labcorp
Classification: Uncertain significance for Oto-palato-digital syndrome, type II; Heterotopia, periventricular, X-linked dominant; Frontometaphyseal dysplasia; Melnick-Needles syndrome. Last evaluated: 2024-03-17. Review status: criteria provided, single submitter. Criteria: Invitae Variant Classification Sherloc (09022015). Collection method: clinical testing. Allele origin: germline.
Comment: This sequence change replaces lysine, which is basic and polar, with arginine, which is basic and polar, at codon 62 of the FLNA protein (p.Lys62Arg). This variant is not present in population databases (gnomAD no frequency). This variant has not been reported in the literature in individuals affected with FLNA-related conditions. ClinVar contains an entry for this variant (Variation ID: 1388678). Advanced modeling of protein sequence and biophysical properties (such as structural, functional, and spatial information, amino acid conservation, physicochemical variation, residue mobility, and thermodynamic stability) performed at Invitae indicates that this missense variant is not expected to disrupt FLNA protein function with a negative predictive value of 95%. In summary, the available evidence is currently insufficient to determine the role of this variant in disease. Therefore, it has been classified as a Variant of Uncertain Significance.